The following is an entry in ClinVar:

NM_000059.4(BRCA2):c.681+1G>A

Gene: BRCA2 (BRCA2 DNA repair associated; plus strand). Cytogenetic location: 13q13.1.
Variant type: single nucleotide variant.
Coding change: c.681+1G>A on transcript NM_000059.4 (MANE Select); the canonical splice donor site of the intron after coding-DNA position 681, G replaced by A.
Molecular consequence: splice donor variant.
Genome position (GRCh38, 1-based): chr13:32,329,493, G>A. VCF-style: chr13-32329493-G-A. GRCh37 (hg19) VCF-style: chr13-32903630-G-A.
Other names: IVS8+1G>A; c.681+1G>A (NM_001406720.1, NM_001406719.1, NM_001406721.1); c.312+1G>A (NM_001406722.1).
Identifiers: ClinVar variation 91457 (VCV000091457.29), dbSNP rs398122565, ClinGen allele CA024428.
Genomic context (GRCh38, chr13:32,329,493, plus strand): 5'-TATCTTACAGTCAGAAATGAAGAAGCATCTGAAACTGTATTTCCTCATGATACTACTGCT[G>A]TAAGTAAATATGACATTGATTAGACTGTTGAAATTGCTAACAATTTTGGAATGCCTTGTT-3'

ClinVar aggregate classification (germline): Uncertain significance. Review status: reviewed by expert panel (3 of 4 stars). 13 submissions from 13 submitters: Uncertain significance (1). 12 of the submissions do not count toward it. Last evaluated 2026-03-18.

Conditions:
Hereditary breast ovarian cancer syndrome. Also called: Breast and ovarian cancer; Hereditary breast and ovarian cancer; Hereditary breast and ovarian cancer syndrome; BRCA1- and BRCA2-Associated Hereditary Breast and Ovarian Cancer; Hereditary breast and ovarian cancer syndrome (HBOC); Hereditary breast and/or ovarian cancer syndrome. Identifiers: Orphanet 145, MedGen C0677776, MeSH D061325, MONDO:0003582. Disease mechanism: loss of function.
Familial cancer of breast. Also called: BREAST CANCER, FAMILIAL; hereditary breast carcinoma; Hereditary breast cancer. Identifiers: Orphanet 227535, MedGen C0346153, MONDO:0016419, OMIM 114480. Disease mechanism: loss of function.
Hereditary cancer-predisposing syndrome. Also called: Tumor predisposition; Hereditary Cancer Syndrome; Neoplastic Syndromes, Hereditary; Hereditary neoplastic syndrome. Identifiers: Orphanet 140162, MedGen C0027672, MeSH D009386, MONDO:0015356.
Inherited ovarian cancer (without breast cancer).
BRCA2-related cancer predisposition. Identifiers: MedGen CN377758, MONDO:0700269.
Breast-ovarian cancer, familial, susceptibility to, 2 (BROVCA2). Also called: BRCA2 Hereditary Breast and Ovarian Cancer. Identifiers: Orphanet 145, MedGen C2675520, MONDO:0012933, OMIM 612555. Disease mechanism: loss of function.

Allele frequency attached by ClinVar (database versions not stated): gnomAD exomes 0.00001.
gnomAD v4.1: 7 of 1,592,074 alleles (0.00044%); highest among the groups gnomAD compares: Non-Finnish European, 0.0006%; no homozygotes.

Submissions (13):

ClinGen ENIGMA BRCA1 and BRCA2 Variant Curation Expert Panel, ClinGen
Classification: Uncertain significance for BRCA2-related cancer predisposition. Last evaluated: 2026-03-18. Review status: reviewed by expert panel. Criteria: CSpec BRCA1/2ACMG Rules Specifications V1.2. Collection method: curation. Allele origin: germline. Inheritance: Autosomal dominant inheritance.
Comment: The c.681+1G>A variant is an intronic variant within the native donor 1,2 splice site occurring in intron 8 of the BRCA2 gene. This variant is present in gnomAD v4.1 but is below the ENIGMA BRCA1/2 VCEP threshold >0.00002 for BS1_Supporting (PM2_Supporting, BS1, and BA1 are not met). Multifactorial likelihood ratio analysis using clinically calibrated data produced a combined LR for this variant of 2.1 (based on Cosegregation LR=1.94; Pathology LR=1.08), within the thresholds for supporting evidence towards pathogenicity (LR >2.08 & ≤4.3) (PP4 met; Internal lab contributor). This variant occurs within the canonical splice donor site (+ 1,2) of intron 8. It is predicted to cause skipping of E8 and intron retention. A suspected functional rescue transcript of in-frame skipping of E8_E10 is observed (PMID: 32123317). RT-PCRseq demonstrated that the variant impacts splicing by skipping of exon 8 (Ambry internal data). The percent of aberrant transcripts produced was 20-30%, using a non-allele specific semi-quantitative assessment with sequence analysis. Potential rescue transcripts were also reported, including skipping E6_E8, which was reported at 10-25% and skipping E7_E8 at 4-6%. We estimate no full length transcript is produced by the variant allele. Appropriate code strength determined by comparison of results to PVS1 decision tree, PVS1_N/A (RNA). In summary, this variant meets the criteria to be classified as a Variant of uncertain significance for BRCA2-related cancer predisposition based on the ACMG/AMP criteria applied as specified by the ENIGMA BRCA1/2 VCEP (PP4).

Labcorp Genetics (formerly Invitae), Labcorp
Classification: Pathogenic for Hereditary breast ovarian cancer syndrome. Last evaluated: 2025-12-24. Review status: criteria provided, single submitter. Criteria: Invitae Variant Classification Sherloc (09022015). Collection method: clinical testing. Allele origin: germline. Not counted in ClinVar's aggregate classification.
Comment: This sequence change affects a donor splice site in intron 8 of the BRCA2 gene. RNA analysis indicates that disruption of this splice site induces altered splicing and may result in an absent or altered protein product. This variant is not present in population databases (gnomAD no frequency). This variant has not been reported in the literature in individuals affected with BRCA2-related conditions. ClinVar contains an entry for this variant (Variation ID: 91457). Based on a multifactorial likelihood algorithm using genetic, in silico, and/or statistical data, this variant has been determined to have a high probability of being pathogenic (PMID: 31131967). Studies have shown that disruption of this splice site results in skipping of exon 8, and produces a non-functional protein and/or introduces a premature termination codon (internal data). For these reasons, this variant has been classified as Pathogenic.

German Consortium for Hereditary Breast and Ovarian Cancer, University Hospital Cologne
Classification: Uncertain significance for Hereditary breast ovarian cancer syndrome. Last evaluated: 2025-08-12. Review status: criteria provided, single submitter. Criteria: ClinGen BRCA2 V1.1.0. Collection method: curation. Allele origin: germline. Not counted in ClinVar's aggregate classification.
Comment: This classification follows the ClinGen ENIGMA BRCA2 v1.1.0 classification scheme; We chose these criteria: PM2 (supporting pathogenic): absent from gnomAD v2/3, PP4 (supporting pathogenic): Combine LR-Score = 2.09725 (as per UCSC ENIGMA BRCA1/BRCA2 specs 1.1.0 Track Hub)

NHS Central & South Genomic Laboratory Hub
Classification: Uncertain significance for Inherited ovarian cancer (without breast cancer). Last evaluated: 2025-04-09. Review status: criteria provided, single submitter. Criteria: ACMG Guidelines, 2015. Collection method: clinical testing. Allele origin: germline. Affected: yes. Not counted in ClinVar's aggregate classification.

Molecular Pathology, Peter Maccallum Cancer Centre
Classification: Uncertain significance for Breast-ovarian cancer, familial, susceptibility to, 2. Last evaluated: 2025-01-14. Review status: criteria provided, single submitter. Criteria: ACMG Guidelines, 2015. Collection method: clinical testing. Allele origin: germline. Inheritance: Autosomal dominant inheritance. Not counted in ClinVar's aggregate classification.

Ambry Genetics
Classification: Uncertain significance for Hereditary cancer-predisposing syndrome. Last evaluated: 2024-11-13. Review status: criteria provided, single submitter. Criteria: Ambry Variant Classification Scheme 2023. Collection method: clinical testing. Allele origin: germline. Not counted in ClinVar's aggregate classification.
Comment: The c.681+1G>A intronic variant results from a G to A substitution one nucleotide after coding exon 7 of the BRCA2 gene. This nucleotide position is highly conserved in available vertebrate species. In silico splice site analysis predicts that this alteration will weaken the native splice donor site and will result in the creation or strengthening of a novel splice donor site. Alterations that disrupt the canonical splice site are expected to cause aberrant splicing, resulting in an abnormal protein or a transcript that is subject to nonsense-mediated mRNA decay. However, RNA studies have demonstrated that this alteration results a combination of in-frame transcript and out of frame transcripts (Wai HA et al. Genet Med, 2020 06;22:1005-1014; Ambry internal data). A close match alteration, BRCA2 c.672_681+23del33 also showed some expression of an in-frame deletion of 68 amino acids (Ambry internal data). Data show that this latter transcript is able to rescue Brca2-null mouse embryonic stem cell survival defects and has near normal homology directed DNA repair function (Mesman RLS et al. Genet Med, 2020 08;22:1355-1365). Since supporting evidence is limited at this time, the clinical significance of this alteration remains unclear.

All of Us Research Program, National Institutes of Health
Classification: Likely pathogenic for Breast-ovarian cancer, familial, susceptibility to, 2. Last evaluated: 2024-01-22. Review status: criteria provided, single submitter. Criteria: ACMG Guidelines, 2015. Collection method: clinical testing. Allele origin: germline. Inheritance: Autosomal dominant inheritance. Observed: 2 variant alleles, 2 heterozygotes. Not counted in ClinVar's aggregate classification.
Comment: This variant causes a G>A nucleotide substitution at the +1 position of intron 8 of the BRCA2 gene. Splice site prediction tools predict that this variant may have a significant impact on RNA splicing. A RNA study has indicated that this variant causes aberrant splicing with in-frame deletion of r.632_1909del (p.Val211_Ser636del) being the major consequence. This mutant transcript is likely to result in nonfunctional protein product. This variant has been reported with a pathogenic BRCA1 variant in an individual affected with breast cancer (PMID: 27836010). A multifactorial analysis based on personal/family history and tumor pathology has reported this variant to be likely pathogenic (PMID: 31131967). This variant has not been identified in the general population by the Genome Aggregation Database (gnomAD). Loss of BRCA2 function is a known mechanism of disease. Based on the available evidence, this variant is classified as Likely Pathogenic.

This study involves interpretation of variants in research participants for the purpose of population health screening. Participant phenotype was not available at the time of variant classification. Additional details can be found in publication PMID: 35346344, PMCID: PMC8962531

Color Diagnostics, LLC DBA Color Health
Classification: Likely pathogenic for Hereditary cancer-predisposing syndrome. Last evaluated: 2023-11-29. Review status: criteria provided, single submitter. Criteria: ACMG Guidelines, 2015. Collection method: clinical testing. Allele origin: germline. Not counted in ClinVar's aggregate classification.
Comment: This variant causes a G>A nucleotide substitution at the +1 position of intron 8 of the BRCA2 gene. Splice site prediction tools predict that this variant may have a significant impact on RNA splicing. A RNA study has indicated that this variant causes aberrant splicing with in-frame deletion of r.632_1909del (p.Val211_Ser636del) being the major consequence. This mutant transcript is likely to result in nonfunctional protein product. This variant has been reported with a pathogenic BRCA1 variant in an individual affected with breast cancer (PMID: 27836010). A multifactorial analysis based on personal/family history and tumor pathology has reported this variant to be likely pathogenic (PMID: 31131967). This variant has not been identified in the general population by the Genome Aggregation Database (gnomAD). Loss of BRCA2 function is a known mechanism of disease. Based on the available evidence, this variant is classified as Likely Pathogenic.

Baylor Genetics
Classification: Likely pathogenic for Familial cancer of breast. Last evaluated: 2022-04-25. Review status: criteria provided, single submitter. Criteria: ACMG Guidelines, 2015. Collection method: clinical testing. Allele origin: unknown. Not counted in ClinVar's aggregate classification.

Revvity Omics, Revvity
Classification: Likely pathogenic. Last evaluated: 2022-01-28. Review status: criteria provided, single submitter. Criteria: ACMG Guidelines, 2015. Collection method: clinical testing. Allele origin: germline. Not counted in ClinVar's aggregate classification.

Sema4
Classification: Likely pathogenic for Hereditary cancer-predisposing syndrome. Last evaluated: 2021-05-10. Review status: criteria provided, single submitter. Criteria: Sema4 Curation Guidelines. Collection method: curation. Allele origin: germline. Not counted in ClinVar's aggregate classification.
Comment: The BRCA2 c.681+1G>A variant has been reported in heterozygosity in at least one individual with breast cancer; however, this patient was also reported to have a BRCA1 mutation (PMID: 27836010). This variant affects a nucleotide within a consensus splice site of an intron. This variant may cause exon skipping, intron retention or use of a cryptic splice site. RNA functional studies have shown that this variant alters the splicing of the transcript (PMID: 32123317). This variant is not reported in the Genome Aggregation Database (PMID: 32461654). This variant has been reported in ClinVar (Variation ID: 91457). Based on the current evidence available, this variant is interpreted as likely pathogenic.

Research Molecular Genetics Laboratory, Women's College Hospital, University of Toronto
Classification: Pathogenic for Hereditary breast ovarian cancer syndrome. Last evaluated: 2014-01-31. Review status: no assertion criteria provided. Collection method: research. Allele origin: germline. Affected: yes. Study: The Canadian Open Genetics Repository (COGR). Not counted in ClinVar's aggregate classification.

Sharing Clinical Reports Project (SCRP)
Classification: Likely pathogenic for Breast-ovarian cancer, familial 2. Last evaluated: 2013-05-22. Review status: no assertion criteria provided. Collection method: clinical testing. Allele origin: germline. Not counted in ClinVar's aggregate classification.

Literature cited by the submitters: PubMed 31131967 (cited by 3 submitters); PubMed 32123317 (cited by Ambry Genetics and Sema4); PubMed 32398771 (cited by Ambry Genetics); PubMed 27836010 (cited by 3 submitters).